The following is an entry in ClinVar:

ClinVar aggregate classification (germline): Uncertain significance. Review status: criteria provided, multiple submitters, no conflicts (2 of 4 stars). 2 submissions from 2 submitters: Uncertain significance (2). Last evaluated 2021-09-17.

Conditions:
Fanconi anemia (FA). Also called: Fanconi's anemia. Identifiers: Orphanet 84, MedGen C0015625, MeSH D005199, MONDO:0019391.

Submissions (2):

Labcorp Genetics (formerly Invitae), Labcorp
Classification: Uncertain significance for Fanconi anemia. Last evaluated: 2021-09-17. Review status: criteria provided, single submitter. Criteria: Invitae Variant Classification Sherloc (09022015). Collection method: clinical testing. Allele origin: germline.
Comment: This sequence change replaces cysteine with serine at codon 981 of the FANCA protein (p.Cys981Ser). The cysteine residue is highly conserved and there is a moderate physicochemical difference between cysteine and serine. This variant is not present in population databases (ExAC no frequency). This variant has not been reported in the literature in individuals with FANCA-related conditions. ClinVar contains an entry for this variant (Variation ID: 435127). Advanced modeling of protein sequence and biophysical properties (such as structural, functional, and spatial information, amino acid conservation, physicochemical variation, residue mobility, and thermodynamic stability) performed at Invitae indicates that this missense variant is expected to disrupt FANCA protein function. In summary, the available evidence is currently insufficient to determine the role of this variant in disease. Therefore, it has been classified as a Variant of Uncertain Significance.

Genetic Services Laboratory, University of Chicago
Classification: Uncertain significance. Last evaluated: 2015-10-07. Review status: criteria provided, single submitter. Criteria: ACMG Guidelines, 2015. Collection method: clinical testing. Allele origin: germline. Affected: no.

NM_000135.4(FANCA):c.2942G>C (p.Cys981Ser)

Gene: FANCA (FA complementation group A; minus strand). Cytogenetic location: 16q24.3.
Variant type: single nucleotide variant.
Coding change: c.2942G>C on transcript NM_000135.4 (MANE Select); coding-DNA position 2942, G replaced by C.
Protein change: p.Cys981Ser; replaces cysteine 981 with serine.
Molecular consequence: missense variant.
Genome position (GRCh38, 1-based): chr16:89,758,616, C>G on the plus strand (G>C on the coding strand, the complement: FANCA is on the minus strand). VCF-style: chr16-89758616-C-G. GRCh37 (hg19) VCF-style: chr16-89825024-C-G.
Other names: c.2942G>C (LRG_495t1); c.2942G>C, p.Cys981Ser (NM_001286167.3); short protein forms C981S.
Identifiers: ClinVar variation 435127 (VCV000435127.10), dbSNP rs1555542910, ClinGen allele CA397431124.